The following is an entry in ClinVar:

NM_025137.4(SPG11):c.7300G>A (p.Gly2434Ser)

Gene: SPG11 (SPG11 vesicle trafficking associated, spatacsin; minus strand). Cytogenetic location: 15q21.1.
Variant type: single nucleotide variant.
Coding change: c.7300G>A on transcript NM_025137.4 (MANE Select); coding-DNA position 7300, G replaced by A.
Protein change: p.Gly2434Ser; replaces glycine 2434 with serine.
Molecular consequence: missense variant.
Genome position (GRCh38, 1-based): chr15:44,563,153, C>T on the plus strand (G>A on the coding strand, the complement: SPG11 is on the minus strand). VCF-style: chr15-44563153-C-T. GRCh37 (hg19) VCF-style: chr15-44855351-C-T.
Other names: c.6961G>A, p.Gly2321Ser (NM_001160227.2); short protein forms G2321S, G2434S.
Identifiers: ClinVar variation 971301 (VCV000971301.9), dbSNP rs2082228032, ClinGen allele CA392209969.

ClinVar aggregate classification (germline): Uncertain significance (1 of 4 stars; one submission).

Conditions:
Hereditary spastic paraplegia 11. Also called: Nakamura Osame syndrome; Autosomal recessive hereditary spastic paraplegia, mental impairment, and thin corpus callosum; Spastic Paraplegia 11; Spastic paraplegia, mental retardation and thin corpus callosum; SPASTIC PARAPLEGIA, AUTOSOMAL RECESSIVE, COMPLICATED, WITH THIN CORPUS CALLOSUM; SPASTIC PARAPLEGIA, AUTOSOMAL RECESSIVE, WITH MENTAL IMPAIRMENT AND THIN CORPUS CALLOSUM. Identifiers: Orphanet 2822, MedGen C1858479, MONDO:0011445, OMIM 604360.

gnomAD v4.1: 1 of 1,614,184 alleles (0.000062%); no homozygotes.

Submission:

Labcorp Genetics (formerly Invitae), Labcorp
Classification: Uncertain significance for Hereditary spastic paraplegia 11. Last evaluated: 2019-11-13. Review status: criteria provided, single submitter. Criteria: Invitae Variant Classification Sherloc (09022015). Collection method: clinical testing. Allele origin: germline.
Comment: This sequence change replaces glycine with serine at codon 2434 of the SPG11 protein (p.Gly2434Ser). The glycine residue is moderately conserved and there is a small physicochemical difference between glycine and serine. This variant is not present in population databases (ExAC no frequency). This variant has not been reported in the literature in individuals with SPG11-related conditions. Algorithms developed to predict the effect of missense changes on protein structure and function are either unavailable or do not agree on the potential impact of this missense change (SIFT: "Tolerated"; PolyPhen-2: "Probably Damaging"; Align-GVGD: "Class C0"). In summary, the available evidence is currently insufficient to determine the role of this variant in disease. Therefore, it has been classified as a Variant of Uncertain Significance.